The following is an entry in ClinVar:

ClinVar aggregate classification (germline): Uncertain significance (1 of 4 stars; one submission).

Allele frequency attached by ClinVar (database versions not stated): gnomAD 0.00001; gnomAD exomes 0.00001; TOPMed 0.00001.
gnomAD v4.1: 11 of 1,613,676 alleles (0.00068%); highest among the groups gnomAD compares: Non-Finnish European, 0.00093%; no homozygotes.

Submission:

GeneDx
Classification: Uncertain significance. Last evaluated: 2022-10-03. Review status: criteria provided, single submitter. Criteria: GeneDx Variant Classification Process June 2021. Collection method: clinical testing. Allele origin: germline. Affected: yes.
Comment: Not observed at significant frequency in large population cohorts (gnomAD); In silico analysis supports that this variant does not alter splicing; Has not been previously published as pathogenic or benign to our knowledge

NM_024417.5(FDXR):c.1003-6C>G

Gene: FDXR (ferredoxin reductase; minus strand). Cytogenetic location: 17q25.1.
Variant type: single nucleotide variant.
Coding change: c.1003-6C>G on transcript NM_024417.5 (MANE Select); 6 bases into the intron before coding-DNA position 1003, C replaced by G.
Molecular consequence: intron variant.
Genome position (GRCh38, 1-based): chr17:74,864,073, G>C on the plus strand (C>G on the coding strand, the complement: FDXR is on the minus strand). VCF-style: chr17-74864073-G-C. GRCh37 (hg19) VCF-style: chr17-72860195-G-C.
Other names: c.979-6C>G (NM_001258014.4); c.1021-6C>G (NM_004110.6); c.883-6C>G (NM_001258015.3); c.1132-6C>G (NM_001258012.4); c.1096-6C>G (NM_001258013.4); c.847-6C>G (NM_001258016.3).
Identifiers: ClinVar variation 2446585 (VCV002446585.1), dbSNP rs931795854, ClinGen allele CA293970993.